The following is an entry in ClinVar:

ClinVar aggregate classification (germline): Conflicting classifications of pathogenicity. Review status: criteria provided, conflicting classifications (1 of 4 stars). 2 submissions from 2 submitters: Uncertain significance (1); Benign (1). Last evaluated 2025-11-04.

Conditions:
Primary ciliary dyskinesia. Also called: Ciliary dyskinesia. Identifiers: Orphanet 244, MedGen C0008780, MONDO:0016575, HP:0012265.

Allele frequency attached by ClinVar (database versions not stated): ExAC 0.00002.
gnomAD v4.1: 5 of 1,604,822 alleles (0.00031%); highest among the groups gnomAD compares: Admixed American, 0.0052%; no homozygotes.

Submissions (2):

Ambry Genetics
Classification: Uncertain significance for Primary ciliary dyskinesia. Last evaluated: 2025-11-04. Review status: criteria provided, single submitter. Criteria: Ambry Variant Classification Scheme 2023. Collection method: clinical testing. Allele origin: germline.
Comment: The p.H1411Q variant (also known as c.4233C>G), located in coding exon 23 of the DNAH11 gene, results from a C to G substitution at nucleotide position 4233. The histidine at codon 1411 is replaced by glutamine, an amino acid with highly similar properties. This amino acid position is conserved. In addition, this alteration is predicted to be tolerated by in silico analysis. Based on the available evidence, the clinical significance of this variant remains unclear.

Labcorp Genetics (formerly Invitae), Labcorp
Classification: Benign for Primary ciliary dyskinesia. Last evaluated: 2023-10-08. Review status: criteria provided, single submitter. Criteria: Invitae Variant Classification Sherloc (09022015). Collection method: clinical testing. Allele origin: germline.

NM_001277115.2(DNAH11):c.4233C>G (p.His1411Gln)

Gene: DNAH11 (dynein axonemal heavy chain 11; plus strand). Cytogenetic location: 7p15.3.
Variant type: single nucleotide variant.
Coding change: c.4233C>G on transcript NM_001277115.2 (MANE Select); coding-DNA position 4233, C replaced by G.
Protein change: p.His1411Gln; replaces histidine 1411 with glutamine.
Molecular consequence: missense variant.
Genome position (GRCh38, 1-based): chr7:21,617,756, C>G. VCF-style: chr7-21617756-C-G. GRCh37 (hg19) VCF-style: chr7-21657374-C-G.
Other names: c.4248C>G, p.His1416Gln (NM_003777.3); c.4233C>G (NM_001277115.1); short protein forms H1411Q, H1416Q.
Identifiers: ClinVar variation 2714801 (VCV002714801.4), dbSNP rs773424828, ClinGen allele CA4179941.